The following is an entry in ClinVar:

NM_002890.3(RASA1):c.2268_2270del (p.Leu757del)

Genes: CCNH (cyclin H; minus strand), RASA1 (RAS p21 protein activator 1; plus strand). Cytogenetic location: 5q14.3.
Variant type: Deletion.
Coding change: c.2268_2270del on transcript NM_002890.3 (MANE Select); coding-DNA positions 2268 to 2270, 3 bases deleted (ACT; older notation c.2268_2270delACT).
Protein change: p.Leu757del; deletes leucine 757.
Molecular consequence: inframe deletion. On other transcripts: intron variant (1).
Genome position (GRCh38, 1-based): chr5:87,376,964-87,376,966, ACT deleted; deleting any 3 consecutive bases within chr5:87,376,962-87,376,966 gives the same sequence; the c. name uses the placement nearest the transcript's 3' end. VCF-style (leftmost placement, unchanged base first): chr5-87376961-CCTA-C. GRCh37 (hg19) VCF-style: chr5-86672778-CCTA-C.
Other names: c.1737_1739del, p.Leu580del (NM_022650.3); c.933+18080_933+18082del (NM_001364075.2); short protein forms L757del, L580del.
Identifiers: ClinVar variation 3671370 (VCV003671370.2).
Genomic context (GRCh38, chr5:87,376,961, plus strand): 5'-TCATGTAGTCTATGCTTTATCACATGTATGTGGACAAGACCGAACACTACTGGCCAGCAT[CCTA>C]CTGAGGATTTTTCTTCACGAAAAGCTTGAATCGTTGTTGTTATGCACACTAAATGACAGA-3'

ClinVar aggregate classification (germline): Uncertain significance (1 of 4 stars; one submission).

Conditions:
Capillary malformation-arteriovenous malformation syndrome. Also called: Capillary malformation-arteriovenous malformation. Identifiers: Orphanet 137667, MedGen C1842180, MONDO:0012016.

Submission:

Labcorp Genetics (formerly Invitae), Labcorp
Classification: Uncertain significance for Capillary malformation-arteriovenous malformation syndrome. Last evaluated: 2024-07-23. Review status: criteria provided, single submitter. Criteria: Invitae Variant Classification Sherloc (09022015). Collection method: clinical testing. Allele origin: germline.
Comment: This variant, c.2268_2270del, results in the deletion of 1 amino acid(s) of the RASA1 protein (p.Leu757del), but otherwise preserves the integrity of the reading frame. This variant is not present in population databases (gnomAD no frequency). This variant has not been reported in the literature in individuals affected with RASA1-related conditions. Experimental studies and prediction algorithms are not available or were not evaluated, and the functional significance of this variant is currently unknown. In summary, the available evidence is currently insufficient to determine the role of this variant in disease. Therefore, it has been classified as a Variant of Uncertain Significance.